The following is an entry in ClinVar:

ClinVar aggregate classification (germline): Pathogenic (1 of 4 stars; one submission).

Submission:

GeneDx
Classification: Pathogenic. Last evaluated: 2024-10-03. Review status: criteria provided, single submitter. Criteria: GeneDx Variant Classification Process June 2021. Collection method: clinical testing. Allele origin: germline. Affected: yes.
Comment: Nonsense variant predicted to result in protein truncation or nonsense mediated decay in a gene for which loss of function is a known mechanism of disease; Not observed at significant frequency in large population cohorts (gnomAD); This variant is associated with the following publications: (PMID: 35591945)

NM_207037.2(TCF12):c.932C>G (p.Ser311Ter)

Gene: TCF12 (transcription factor 12; plus strand). Cytogenetic location: 15q21.3.
Variant type: single nucleotide variant.
Coding change: c.932C>G on transcript NM_207037.2 (MANE Select); coding-DNA position 932, C replaced by G.
Protein change: p.Ser311Ter; replaces serine 311 with a stop codon.
Molecular consequence: nonsense.
Genome position (GRCh38, 1-based): chr15:57,232,818, C>G. VCF-style: chr15-57232818-C-G. GRCh37 (hg19) VCF-style: chr15-57525016-C-G.
Other names: c.422C>G, p.Ser141Ter (NM_001306219.3, NM_207040.2); c.224C>G, p.Ser75Ter (NM_001306220.3); c.932C>G, p.Ser311Ter (NM_001322151.2, NM_001322152.2, NM_001322157.3 and 7 more transcripts); c.275C>G, p.Ser92Ter (NM_001322154.2); c.758C>G, p.Ser253Ter (NM_001322156.2, NM_001322158.2); c.968C>G, p.Ser323Ter (NM_001322164.2); short protein forms S141*, S253*, S311*, S323*, S75*, S92*.
Identifiers: ClinVar variation 3776381 (VCV003776381.1).
Genomic context (GRCh38, chr15:57,232,818, plus strand): 5'-TTCCACCAATGTCCAGCTTTCATCGCGGCAGTACCAGCAGTTCACCTTACGTTGCTGCCT[C>G]ACACACTCCTCCCATCAATGGATCAGACAGCATTCTAGGTGAGCTTTTTGAGTTGGCAAA-3'